The following is an entry in ClinVar:

ClinVar aggregate classification (germline): Conflicting classifications of pathogenicity. Review status: criteria provided, conflicting classifications (1 of 4 stars). 13 submissions from 13 submitters: Uncertain significance (3); Benign (4); Likely benign (2). 4 of the submissions do not count toward it. Last evaluated 2026-02-04.

Conditions:
Autoinflammatory syndrome. Identifiers: Orphanet 93665, MedGen C3890737, MONDO:0019751.
Familial Mediterranean fever (FMF). Also called: Periodic peritonitis; Benign paroxysmal peritonitis; POLYSEROSITIS, FAMILIAL PAROXYSMAL; POLYSEROSITIS, RECURRENT. Identifiers: Orphanet 342, MedGen C0031069, MONDO:0018088, OMIM 249100. Disease mechanism: gain of function.

Allele frequency attached by ClinVar (database versions not stated): 1000 Genomes Project 0.01178; gnomAD 0.00293 and 0.00217; 1000 Genomes Project 30x 0.01046; gnomAD exomes 0.00233 and 0.00657; TOPMed 0.00313; ExAC 0.00643.
gnomAD v4.1: 3,885 of 1,612,772 alleles (0.24%); highest among the groups gnomAD compares: East Asian, 7.6%; 136 homozygotes.

Submissions (13):

Labcorp Genetics (formerly Invitae), Labcorp
Classification: Likely benign for Familial Mediterranean fever. Last evaluated: 2026-02-04. Review status: criteria provided, single submitter. Criteria: Invitae Variant Classification Sherloc (09022015). Collection method: clinical testing. Allele origin: germline.

ARUP Laboratories, Molecular Genetics and Genomics, ARUP Laboratories
Classification: Benign. Last evaluated: 2025-05-15. Review status: criteria provided, single submitter. Criteria: ARUP Molecular Germline Variant Investigation Process 2024. Collection method: clinical testing. Allele origin: germline.

Women's Health and Genetics/Laboratory Corporation of America, LabCorp
Classification: Likely benign. Last evaluated: 2025-03-17. Review status: criteria provided, single submitter. Criteria: LabCorp Variant Classification Summary - May 2015. Collection method: clinical testing. Allele origin: germline.
Comment: Variant summary: MEFV c.329T>C (p.Leu110Pro) results in a non-conservative amino acid change in the encoded protein sequence. Four of five in-silico tools predict a benign effect of the variant on protein function. The variant allele was found at a frequency of 0.0066 in 247780 control chromosomes, predominantly at a frequency of 0.084 within the East Asian subpopulation in the gnomAD database, including 61 homozygotes. The observed variant frequency within East Asian control individuals in the gnomAD database is approximately 4 fold of the estimated maximal expected allele frequency for a pathogenic variant in MEFV causing Familial Mediterranean Fever phenotype (0.022). c.329T>C has been commonly reported in FMF patients, primarily in the same allele (in cis) with p.E148Q, both in heterozygote and homozygote phases. In addition, multiple publications show lack of cosegregation for the variant and disease (Oshima_2010, Berdeli_2011, and Kim_2007). At least one functional study demonstrated no damaging effect of this variant (Honda_2021). The following publications have been ascertained in the context of this evaluation (PMID: 21413889, 20721559, 26003477, 10854105, 33331265, 19877056, 33497256, 24383976, 24929125, 33733382, 17329916, 25261100, 27100444, 22903357, 23166428, 22467954, 27473114, 19967574, 24469716, 11464238, 19531756, 29599418). ClinVar contains an entry for this variant (Variation ID: 195050). Based on the evidence outlined above, the variant was classified as likely benign.

Clinical Genetics and Genomics, Karolinska University Hospital
Classification: Uncertain significance. Last evaluated: 2024-01-26. Review status: criteria provided, single submitter. Criteria: ACMG Guidelines, 2015. Collection method: clinical testing. Allele origin: germline. Affected: yes. Observed: 2 variant alleles.

Genome-Nilou Lab
Classification: Uncertain significance for Familial Mediterranean fever. Last evaluated: 2021-05-18. Review status: criteria provided, single submitter. Criteria: ACMG Guidelines, 2015. Collection method: clinical testing. Allele origin: germline. Affected: no.

Genome Diagnostics Laboratory, The Hospital for Sick Children
Classification: Benign for Autoinflammatory syndrome. Last evaluated: 2021-05-03. Review status: criteria provided, single submitter. Criteria: ACMG Guidelines, 2015. Collection method: clinical testing. Allele origin: germline. Affected: yes.

GeneDx
Classification: Benign. Last evaluated: 2019-07-03. Review status: criteria provided, single submitter. Criteria: GeneDx Variant Classification Process June 2021. Collection method: clinical testing. Allele origin: germline. Affected: yes.
Comment: In silico analysis, which includes protein predictors and evolutionary conservation, supports that this variant does not alter protein structure/function; Reported in both the heterozygous and homozygous states in unaffected individuals and in individuals with familial Mediterranean fever (Kim et al., 2006; Tomiyama et al., 2008); This variant is associated with the following publications: (PMID: 24965843, 17329916, 22989844, 23166428, 24797171, 24598070, 10854105, 24929125, 20041150, 25073670, 22534884, 26332735, 29017770, 28482392, 29178647, 26537665, 19967574, 18328141, 25261100, 29642170, 26457478, 29526930, 29151129, 24661635, 32199921, 32735870)

Illumina Laboratory Services, Illumina
Classification: Uncertain significance for Familial Mediterranean fever. Last evaluated: 2017-04-27. Review status: criteria provided, single submitter. Criteria: ICSL Variant Classification Criteria 13 December 2019. Collection method: clinical testing. Allele origin: germline.

Eurofins Ntd Llc (ga)
Classification: Benign. Last evaluated: 2014-10-14. Review status: criteria provided, single submitter. Criteria: EGL Classification Definitions 2015. Collection method: clinical testing. Allele origin: germline. Observed: 2 variant alleles, 2 heterozygotes.

Molecular Genetics Laboratory, BC Children's and BC Women's Hospitals
Classification: Likely benign for Familial Mediterranean fever. Last evaluated: 2025-01-20. Review status: no assertion criteria provided. Criteria: ACMG Guidelines, 2015. Collection method: clinical testing. Allele origin: germline. Affected: yes. Not counted in ClinVar's aggregate classification.

Natera, Inc.
Classification: Uncertain significance for Familial Mediterranean fever. Last evaluated: 2020-01-07. Review status: no assertion criteria provided. Collection method: clinical testing. Allele origin: germline. Not counted in ClinVar's aggregate classification.

Genome Diagnostics Laboratory, University Medical Center Utrecht
Classification: Uncertain significance. Review status: no assertion criteria provided. Collection method: clinical testing. Allele origin: germline. Affected: yes. Study: VKGL Data-share Consensus. Not counted in ClinVar's aggregate classification.

Joint Genome Diagnostic Labs from Nijmegen and Maastricht, Radboudumc and MUMC+
Classification: Uncertain significance. Review status: no assertion criteria provided. Collection method: clinical testing. Allele origin: germline. Affected: yes. Study: VKGL Data-share Consensus. Not counted in ClinVar's aggregate classification.

Literature cited by the submitters: PubMed 19967574 (cited by Women's Health and Genetics/Laboratory Corporation of America, LabCorp); PubMed 11464238 (cited by Women's Health and Genetics/Laboratory Corporation of America, LabCorp); PubMed 20721559 (cited by Women's Health and Genetics/Laboratory Corporation of America, LabCorp); PubMed 21413889 (cited by Women's Health and Genetics/Laboratory Corporation of America, LabCorp); PubMed 19531756 (cited by Women's Health and Genetics/Laboratory Corporation of America, LabCorp); PubMed 22467954 (cited by Women's Health and Genetics/Laboratory Corporation of America, LabCorp); PubMed 17329916 (cited by Women's Health and Genetics/Laboratory Corporation of America, LabCorp); PubMed 22903357 (cited by Women's Health and Genetics/Laboratory Corporation of America, LabCorp); PubMed 10854105 (cited by Women's Health and Genetics/Laboratory Corporation of America, LabCorp); PubMed 19877056 (cited by Women's Health and Genetics/Laboratory Corporation of America, LabCorp); PubMed 23166428 (cited by Women's Health and Genetics/Laboratory Corporation of America, LabCorp); PubMed 25261100 (cited by Women's Health and Genetics/Laboratory Corporation of America, LabCorp); PubMed 24469716 (cited by Women's Health and Genetics/Laboratory Corporation of America, LabCorp); PubMed 24929125 (cited by Women's Health and Genetics/Laboratory Corporation of America, LabCorp); PubMed 26003477 (cited by Women's Health and Genetics/Laboratory Corporation of America, LabCorp); PubMed 27100444 (cited by Women's Health and Genetics/Laboratory Corporation of America, LabCorp); PubMed 24383976 (cited by Women's Health and Genetics/Laboratory Corporation of America, LabCorp); PubMed 29599418 (cited by Women's Health and Genetics/Laboratory Corporation of America, LabCorp); PubMed 27473114 (cited by Women's Health and Genetics/Laboratory Corporation of America, LabCorp); PubMed 33497256 (cited by Women's Health and Genetics/Laboratory Corporation of America, LabCorp); PubMed 33733382 (cited by Women's Health and Genetics/Laboratory Corporation of America, LabCorp); PubMed 33331265 (cited by Women's Health and Genetics/Laboratory Corporation of America, LabCorp).

NM_000243.3(MEFV):c.329T>C (p.Leu110Pro)

Gene: MEFV (MEFV innate immunity regulator, pyrin; minus strand). Cytogenetic location: 16p13.3.
Variant type: single nucleotide variant.
Coding change: c.329T>C on transcript NM_000243.3 (MANE Select); coding-DNA position 329, T replaced by C.
Protein change: p.Leu110Pro; replaces leucine 110 with proline.
Molecular consequence: missense variant. On other transcripts: intron variant (1).
Genome position (GRCh38, 1-based): chr16:3,254,739, A>G on the plus strand (T>C on the coding strand, the complement: MEFV is on the minus strand). VCF-style: chr16-3254739-A-G. GRCh37 (hg19) VCF-style: chr16-3304739-A-G.
Other names: c.277+1572T>C (NM_001198536.2); short protein forms L110P.
Identifiers: ClinVar variation 195050 (VCV000195050.42), dbSNP rs11466018, ClinGen allele CA201524.
Genomic context (GRCh38, chr16:3,254,739, plus strand): 5'-TTCCCCTCGTTCCCCTCGGGGTGGTCTGGAGTCTTCAGGCTCCTGGGCTTGTTCTCCCCC[A>G]GGGAGCTGGACGCTGCGGAATCATCTGTGCCGTTTTCTTGTGTGGAATATTCTGGAAGGA-3'
Protein context (NP_000234.1, residues 100-120): GTDDSAASSS[Leu110Pro]GENKPRSLKT